The following is an entry in ClinVar:

ClinVar aggregate classification (germline): Conflicting classifications of pathogenicity. Review status: criteria provided, conflicting classifications (1 of 4 stars). 3 submissions from 3 submitters: Uncertain significance (2); Likely benign (1). Last evaluated 2024-12-31.

Conditions:
Neurodevelopmental disorder with epilepsy, cataracts, feeding difficulties, and delayed brain myelination (NECFM). Identifiers: Orphanet 500545, MedGen C4479333, MONDO:0044306, OMIM 617393.
Inborn genetic diseases. Identifiers: MedGen C0950123, MeSH D030342.

Allele frequency attached by ClinVar (database versions not stated): gnomAD 0.00001; gnomAD exomes 0.00001 and 0.00004; TOPMed 0.00001; ExAC 0.00012.

Submissions (3):

Ambry Genetics
Classification: Uncertain significance for Inborn genetic diseases. Last evaluated: 2024-12-31. Review status: criteria provided, single submitter. Criteria: Ambry Variant Classification Scheme 2023. Collection method: clinical testing. Allele origin: germline.

Labcorp Genetics (formerly Invitae), Labcorp
Classification: Likely benign. Last evaluated: 2024-12-02. Review status: criteria provided, single submitter. Criteria: Invitae Variant Classification Sherloc (09022015). Collection method: clinical testing. Allele origin: germline.

Neuberg Centre For Genomic Medicine, NCGM
Classification: Uncertain significance for Neurodevelopmental disorder with epilepsy, cataracts, feeding difficulties, and delayed brain myelination. Review status: criteria provided, single submitter. Criteria: ACMG Guidelines, 2015. Collection method: clinical testing. Allele origin: germline. Inheritance: Autosomal dominant inheritance. Affected: yes.
Comment: The missense variant p.T168M in NACC1 (NM_052876.4) has not been reported previously as a pathogenic variant nor as a benign variant, to our knowledge.The missense variant c.503C>T (p.T168M) in NACC1 (NM_052876.4) is observed in 2/12124 (0.0165%) alleles from individuals of East Asian background in the gnomAD dataset (Exome Aggregation Consortium et al., 2016), but was not seen in the homozygous state.The p.T168M missense variant is predicted to be damaging by both SIFT and PolyPhen2. The threonine residue at codon 168 of NACC1 is conserved in all mammalian species. The nucleotide c.503 in NACC1 is predicted conserved by GERP++ and PhyloP across 100 vertebrates. For these reasons, this variant has been classified as Uncertain Significance.

NM_052876.4(NACC1):c.503C>T (p.Thr168Met)

Gene: NACC1 (nucleus accumbens associated 1; plus strand). Cytogenetic location: 19p13.13.
Variant type: single nucleotide variant.
Coding change: c.503C>T on transcript NM_052876.4 (MANE Select); coding-DNA position 503, C replaced by T.
Protein change: p.Thr168Met; replaces threonine 168 with methionine.
Molecular consequence: missense variant.
Genome position (GRCh38, 1-based): chr19:13,135,710, C>T. VCF-style: chr19-13135710-C-T. GRCh37 (hg19) VCF-style: chr19-13246524-C-T.
Other names: c.503C>T (NM_052876.2, NM_052876.3); short protein forms T168M.
Identifiers: ClinVar variation 1439640 (VCV001439640.6), dbSNP rs775567968, ClinGen allele CA9238286.